The following is an entry in ClinVar:

NM_020117.11(LARS1):c.3504C>T (p.Gly1168=)

Gene: LARS1 (leucyl-tRNA synthetase 1; minus strand). Cytogenetic location: 5q32.
Variant type: single nucleotide variant.
Coding change: c.3504C>T on transcript NM_020117.11 (MANE Select); coding-DNA position 3504, C replaced by T.
Protein change: p.Gly1168=; no amino-acid change (glycine 1168 retained).
Molecular consequence: synonymous variant.
Genome position (GRCh38, 1-based): chr5:146,114,133, G>A on the plus strand (C>T on the coding strand, the complement: LARS1 is on the minus strand). VCF-style: chr5-146114133-G-A. GRCh37 (hg19) VCF-style: chr5-145493696-G-A.
Other names: c.3366C>T, p.Gly1122= (NM_001317964.2); c.3342C>T, p.Gly1114= (NM_001317965.2); c.3423C>T, p.Gly1141= (NM_016460.4).
Identifiers: ClinVar variation 514450 (VCV000514450.2), dbSNP rs201583773, ClinGen allele CA3489021.

ClinVar aggregate classification (germline): Likely benign. Review status: criteria provided, multiple submitters, no conflicts (2 of 4 stars). 2 submissions from 2 submitters: Likely benign (2). Last evaluated 2025-12-30.

Allele frequency attached by ClinVar (database versions not stated): ExAC 0.00001; gnomAD exomes 0.00003 and 0.00005; TOPMed 0.00003; gnomAD 0.00004 and 0.00005; 1000 Genomes Project 30x 0.00016; 1000 Genomes Project 0.00020.
gnomAD v4.1: 51 of 1,613,276 alleles (0.0032%); highest among the groups gnomAD compares: Admixed American, 0.012%; 1 homozygote.

Submissions (2):

Labcorp Genetics (formerly Invitae), Labcorp
Classification: Likely benign. Last evaluated: 2025-12-30. Review status: criteria provided, single submitter. Criteria: Invitae Variant Classification Sherloc (09022015). Collection method: clinical testing. Allele origin: germline.

GeneDx
Classification: Likely benign. Last evaluated: 2018-01-22. Review status: criteria provided, single submitter. Criteria: GeneDx Variant Classification (06012015). Collection method: clinical testing. Allele origin: germline. Affected: yes.
Comment: This variant is considered likely benign or benign based on one or more of the following criteria: it is a conservative change, it occurs at a poorly conserved position in the protein, it is predicted to be benign by multiple in silico algorithms, and/or has population frequency not consistent with disease.